The following is an entry in ClinVar:

NM_006904.7(PRKDC):c.163A>T (p.Thr55Ser)

Gene: PRKDC (protein kinase, DNA-activated, catalytic subunit; minus strand). Cytogenetic location: 8q11.21.
Variant type: single nucleotide variant.
Coding change: c.163A>T on transcript NM_006904.7 (MANE Select); coding-DNA position 163, A replaced by T.
Protein change: p.Thr55Ser; replaces threonine 55 with serine.
Molecular consequence: missense variant.
Genome position (GRCh38, 1-based): chr8:47,957,423, T>A on the plus strand (A>T on the coding strand, the complement: PRKDC is on the minus strand). VCF-style: chr8-47957423-T-A. GRCh37 (hg19) VCF-style: chr8-48869983-T-A.
Other names: c.163A>T, p.Thr55Ser (NM_001081640.2); c.163A>T (NM_006904.6); short protein forms T55S.
Identifiers: ClinVar variation 1463582 (VCV001463582.5), dbSNP rs2154504734, ClinGen allele CA371141781.
Genomic context (GRCh38, chr8:47,957,423, plus strand): 5'-TGTTGAGTGACTTCCGGACAAATACAAGCAAACCGAAATCTCTGGAAAAAACTAAAGATG[T>A]CTGTAATGCTGTTCAAAAAAATAAGTAAACAAGTTAAGAGAGTGCCAAGAGCATCATGTA-3'
Protein context (NP_008835.5, residues 45-65): SSSPAVLALQ[Thr55Ser]SLVFSRDFGL

ClinVar aggregate classification (germline): Uncertain significance. Review status: criteria provided, multiple submitters, no conflicts (2 of 4 stars). 2 submissions from 2 submitters: Uncertain significance (2). Last evaluated 2023-12-01.

Conditions:
Severe combined immunodeficiency due to DNA-PKcs deficiency. Also called: IMMUNODEFICIENCY 26 WITH NEUROLOGIC ABNORMALITIES; Immunodeficiency 26 with or without neurologic abnormalities. Identifiers: Orphanet 317425, MedGen C4014833, MONDO:0014423, OMIM 615966.

gnomAD v4.1: 1 of 1,579,112 alleles (0.000063%); highest among the groups gnomAD compares: Non-Finnish European, 0.000086%; no homozygotes.

Submissions (2):

Ambry Genetics
Classification: Uncertain significance. Last evaluated: 2023-12-01. Review status: criteria provided, single submitter. Criteria: Ambry Variant Classification Scheme 2023. Collection method: clinical testing. Allele origin: germline.
Comment: The p.T55S variant (also known as c.163A>T), located in coding exon 2 of the PRKDC gene, results from an A to T substitution at nucleotide position 163. The threonine at codon 55 is replaced by serine, an amino acid with similar properties. This amino acid position is conserved. In addition, this alteration is predicted to be tolerated by in silico analysis. Since supporting evidence is limited at this time, the clinical significance of this alteration remains unclear.

Labcorp Genetics (formerly Invitae), Labcorp
Classification: Uncertain significance for Severe combined immunodeficiency due to DNA-PKcs deficiency. Last evaluated: 2020-11-10. Review status: criteria provided, single submitter. Criteria: Invitae Variant Classification Sherloc (09022015). Collection method: clinical testing. Allele origin: germline.
Comment: This variant has not been reported in the literature in individuals with PRKDC-related conditions. This variant is not present in population databases (ExAC no frequency). This sequence change replaces threonine with serine at codon 55 of the PRKDC protein (p.Thr55Ser). The threonine residue is weakly conserved and there is a small physicochemical difference between threonine and serine. Experimental studies and prediction algorithms are not available or were not evaluated, and the functional significance of this variant is currently unknown. In summary, the available evidence is currently insufficient to determine the role of this variant in disease. Therefore, it has been classified as a Variant of Uncertain Significance.